The following is an entry in ClinVar:

ClinVar aggregate classification (germline): Likely pathogenic (1 of 4 stars; one submission).

Conditions:
Nephronophthisis. Also called: Juvenile Nephronophthisis. Identifiers: Orphanet 655, MedGen C0687120, MONDO:0019005, HP:0000090.

Allele frequency attached by ClinVar (database versions not stated): TOPMed below 0.00001.

Submission:

Labcorp Genetics (formerly Invitae), Labcorp
Classification: Likely pathogenic for Nephronophthisis. Last evaluated: 2023-06-24. Review status: criteria provided, single submitter. Criteria: Invitae Variant Classification Sherloc (09022015). Collection method: clinical testing. Allele origin: germline.
Comment: This sequence change affects a donor splice site in intron 12 of the NPHP4 gene. It is expected to disrupt RNA splicing. Variants that disrupt the donor or acceptor splice site typically lead to a loss of protein function (PMID: 16199547), and loss-of-function variants in NPHP4 are known to be pathogenic (PMID: 12205563, 23559409). This variant is not present in population databases (gnomAD no frequency). This variant has not been reported in the literature in individuals affected with NPHP4-related conditions. Algorithms developed to predict the effect of sequence changes on RNA splicing suggest that this variant may disrupt the consensus splice site. In summary, the currently available evidence indicates that the variant is pathogenic, but additional data are needed to prove that conclusively. Therefore, this variant has been classified as Likely Pathogenic.

Literature cited by the submitters: PubMed 16199547; PubMed 12205563; PubMed 23559409.

NM_015102.5(NPHP4):c.1503+1G>T

Gene: NPHP4 (nephrocystin 4; minus strand). Cytogenetic location: 1p36.31.
Variant type: single nucleotide variant.
Coding change: c.1503+1G>T on transcript NM_015102.5 (MANE Select); the canonical splice donor site of the intron after coding-DNA position 1503, G replaced by T.
Molecular consequence: splice donor variant. On other transcripts: intron variant (2).
Genome position (GRCh38, 1-based): chr1:5,909,151, C>A on the plus strand (G>T on the coding strand, the complement: NPHP4 is on the minus strand). VCF-style: chr1-5909151-C-A. GRCh37 (hg19) VCF-style: chr1-5969211-C-A.
Other names: c.76-3368G>T (NM_001291594.2); c.76-3371G>T (NM_001291593.2).
Identifiers: ClinVar variation 2727712 (VCV002727712.3), dbSNP rs765460065, ClinGen allele CA338057579.